The following is an entry in ClinVar:

NM_000238.4(KCNH2):c.1416C>G (p.Arg472=)

Gene: KCNH2 (potassium voltage-gated channel subfamily H member 2; minus strand). Cytogenetic location: 7q36.1.
Variant type: single nucleotide variant.
Coding change: c.1416C>G on transcript NM_000238.4 (MANE Select); coding-DNA position 1416, C replaced by G.
Protein change: p.Arg472=; no amino-acid change (arginine 472 retained).
Molecular consequence: synonymous variant. On other transcripts: non-coding transcript variant (2).
Genome position (GRCh38, 1-based): chr7:150,952,566, G>C on the plus strand (C>G on the coding strand, the complement: KCNH2 is on the minus strand). VCF-style: chr7-150952566-G-C. GRCh37 (hg19) VCF-style: chr7-150649654-G-C.
Other names: c.396C>G, p.Arg132= (NM_001204798.2, NM_172057.3); c.1128C>G, p.Arg376= (NM_001406753.1, NM_001406756.1); c.1239C>G, p.Arg413= (NM_001406755.1); c.1116C>G, p.Arg372= (NM_001406757.1); c.1416C>G, p.Arg472= (NM_172056.3).
Identifiers: ClinVar variation 3073371 (VCV003073371.1), dbSNP rs770899326, ClinGen allele CA458871642.

ClinVar aggregate classification (germline): Likely benign (1 of 4 stars; one submission).

Conditions:
Long QT syndrome (LQTS). Identifiers: MedGen C0023976, MeSH D008133, MONDO:0002442. Disease mechanism: loss of function. Inheritance: Various modes of inheritance.

gnomAD v4.1: 11 of 1,614,210 alleles (0.00068%); highest among the groups gnomAD compares: Non-Finnish European, 0.00093%; no homozygotes.

Submission:

All of Us Research Program, National Institutes of Health
Classification: Likely benign for Long QT syndrome. Last evaluated: 2023-09-17. Review status: criteria provided, single submitter. Criteria: ACMG Guidelines, 2015. Collection method: clinical testing. Allele origin: germline. Inheritance: Autosomal dominant inheritance. Observed: 1 variant allele, 1 heterozygote.
Comment: This study involves interpretation of variants in research participants for the purpose of population health screening. Participant phenotype was not available at the time of variant classification. Additional details can be found in publication PMID: 35346344, PMCID: PMC8962531